The following is an entry in ClinVar:

NM_001375380.1(EBF3):c.1693C>T (p.Pro565Ser)

Gene: EBF3 (EBF transcription factor 3; minus strand). Cytogenetic location: 10q26.3.
Variant type: single nucleotide variant.
Coding change: c.1693C>T on transcript NM_001375380.1 (MANE Select); coding-DNA position 1693, C replaced by T.
Protein change: p.Pro565Ser; replaces proline 565 with serine.
Molecular consequence: missense variant.
Genome position (GRCh38, 1-based): chr10:129,840,311, G>A on the plus strand (C>T on the coding strand, the complement: EBF3 is on the minus strand). VCF-style: chr10-129840311-G-A. GRCh37 (hg19) VCF-style: chr10-131638575-G-A.
Other names: c.1558C>T, p.Pro520Ser (NM_001005463.3, NM_001375390.1); c.1693C>T, p.Pro565Ser (NM_001375379.1); c.1585C>T, p.Pro529Ser (NM_001375389.1, NM_001375391.1); c.1477C>T, p.Pro493Ser (NM_001375392.1); short protein forms P520S, P493S, P529S, P565S.
Identifiers: ClinVar variation 4088071 (VCV004088071.1).

ClinVar aggregate classification (germline): Uncertain significance (1 of 4 stars; one submission).

Submission:

GeneDx
Classification: Uncertain significance. Last evaluated: 2025-03-27. Review status: criteria provided, single submitter. Criteria: GeneDx Variant Classification Process June 2021. Collection method: clinical testing. Allele origin: germline. Affected: yes.
Comment: Not observed at significant frequency in large population cohorts (gnomAD); In silico analysis supports that this missense variant has a deleterious effect on protein structure/function; Has not been previously published as pathogenic or benign to our knowledge